The following is an entry in ClinVar:

ClinVar aggregate classification (germline): Conflicting classifications of pathogenicity. Review status: criteria provided, conflicting classifications (1 of 4 stars). 2 submissions from 2 submitters: Uncertain significance (1); Benign (1). Last evaluated 2025-11-30.

Conditions:
Hereditary cancer-predisposing syndrome. Also called: Tumor predisposition; Hereditary Cancer Syndrome; Neoplastic Syndromes, Hereditary; Hereditary neoplastic syndrome. Identifiers: Orphanet 140162, MedGen C0027672, MeSH D009386, MONDO:0015356.
Gorlin syndrome. Also called: Nevoid Basal Cell Carcinoma Syndrome; Basal cell nevus syndrome. Identifiers: Orphanet 377, MedGen C0004779, MONDO:0007187.

Allele frequency attached by ClinVar (database versions not stated): gnomAD exomes below 0.00001; TOPMed below 0.00001; ExAC 0.00001; gnomAD 0.00001; ESP Exome Variant Server 0.00008.
gnomAD v4.1: 1 of 1,612,152 alleles (0.000062%); highest among the groups gnomAD compares: African/African-American, 0.0013%; no homozygotes.

Submissions (2):

Ambry Genetics
Classification: Uncertain significance for Hereditary cancer-predisposing syndrome. Last evaluated: 2025-11-30. Review status: criteria provided, single submitter. Criteria: Ambry Variant Classification Scheme 2023. Collection method: clinical testing. Allele origin: germline.
Comment: The p.I815V variant (also known as c.2443A>G), located in coding exon 15 of the PTCH1 gene, results from an A to G substitution at nucleotide position 2443. The isoleucine at codon 815 is replaced by valine, an amino acid with highly similar properties. This amino acid position is conserved. In addition, this alteration is predicted to be tolerated by in silico analysis. Based on the available evidence, the clinical significance of this variant remains unclear.

Labcorp Genetics (formerly Invitae), Labcorp
Classification: Benign for Gorlin syndrome. Last evaluated: 2022-12-06. Review status: criteria provided, single submitter. Criteria: Invitae Variant Classification Sherloc (09022015). Collection method: clinical testing. Allele origin: germline.

NM_000264.5(PTCH1):c.2443A>G (p.Ile815Val)

Genes: PTCH1 (patched 1; minus strand), LOC100507346 (uncharacterized LOC100507346; plus strand). Cytogenetic location: 9q22.32.
Variant type: single nucleotide variant.
Coding change: c.2443A>G on transcript NM_000264.5 (MANE Select); coding-DNA position 2443, A replaced by G.
Protein change: p.Ile815Val; replaces isoleucine 815 with valine.
Molecular consequence: missense variant. On other transcripts: non-coding transcript variant (1).
Genome position (GRCh38, 1-based): chr9:95,467,233, T>C on the plus strand (A>G on the coding strand, the complement: PTCH1 is on the minus strand). VCF-style: chr9-95467233-T-C. GRCh37 (hg19) VCF-style: chr9-98229515-T-C.
Other names: c.2287A>G, p.Ile763Val (NM_001354918.2); c.2440A>G, p.Ile814Val (NM_001083603.3); c.1990A>G, p.Ile664Val (NM_001083604.3, NM_001083605.3, NM_001083606.3 and 1 more transcripts); c.2245A>G, p.Ile749Val (NM_001083602.3); c.2443A>G (NM_000264.3); short protein forms I664V, I749V, I763V, I814V, I815V.
Identifiers: ClinVar variation 1014819 (VCV001014819.10), dbSNP rs375257965, ClinGen allele CA5138401.